The following is an entry in ClinVar:

NM_005535.3(IL12RB1):c.-2C>T

Gene: IL12RB1 (interleukin 12 receptor subunit beta 1; minus strand). Cytogenetic location: 19p13.11.
Variant type: single nucleotide variant.
Coding change: c.-2C>T on transcript NM_005535.3 (MANE Select); 2 bases upstream of the start codon, C replaced by T.
Molecular consequence: 5 prime UTR variant. On other transcripts: missense variant (1).
Genome position (GRCh38, 1-based): chr19:18,086,825, G>A on the plus strand (C>T on the coding strand, the complement: IL12RB1 is on the minus strand). VCF-style: chr19-18086825-G-A. GRCh37 (hg19) VCF-style: chr19-18197635-G-A.
Other names: c.-2C>T (NM_001290023.2, NM_153701.3); c.119C>T, p.Pro40Leu (NM_001290024.2); short protein forms P40L.
Identifiers: ClinVar variation 328605 (VCV000328605.19), dbSNP rs436857, ClinGen allele CA9305400.

ClinVar aggregate classification (germline): Benign/Likely benign. Review status: criteria provided, multiple submitters, no conflicts (2 of 4 stars). 6 submissions from 6 submitters: Benign (5); Likely benign (1). Last evaluated 2026-01-26.

Conditions:
Mendelian susceptibility to mycobacterial diseases due to complete IL12RB1 deficiency. Also called: IL12RB1 DEFICIENCY; Immunodeficiency 30. Identifiers: Orphanet 319552, MedGen C4013949, MONDO:0013955, OMIM 614891.

Allele frequency attached by ClinVar (database versions not stated): 1000 Genomes Project 30x 0.12492; 1000 Genomes Project 0.12760; TOPMed 0.16063; gnomAD exomes 0.16359 and 0.19157; gnomAD 0.17056 and 0.17226; ESP Exome Variant Server 0.17540; ExAC 0.19962.
gnomAD v4.1: 304,192 of 1,608,412 alleles (19%); highest among the groups gnomAD compares: Non-Finnish European, 20%; 29,775 homozygotes.

Submissions (6):

Labcorp Genetics (formerly Invitae), Labcorp
Classification: Benign for Mendelian susceptibility to mycobacterial diseases due to complete IL12RB1 deficiency. Last evaluated: 2026-01-26. Review status: criteria provided, single submitter. Criteria: Invitae Variant Classification Sherloc (09022015). Collection method: clinical testing. Allele origin: germline.

Blueprint Genetics
Classification: Likely benign. Last evaluated: 2024-11-28. Review status: criteria provided, single submitter. Criteria: ACMG Guidelines, 2015. Collection method: clinical testing. Allele origin: germline.

Unidad de Genómica Garrahan, Hospital de Pediatría Garrahan
Classification: Benign. Last evaluated: 2024-01-24. Review status: criteria provided, single submitter. Criteria: ACMG Guidelines, 2015. Collection method: clinical testing. Allele origin: germline. Affected: no. Observed: 23 variant alleles.
Comment: This variant is classified as Benign based on local population frequency. This variant was detected in 26% of patients studied by a panel of primary immunodeficiencies. Number of patients: 23. Only high quality variants are reported.

Illumina Laboratory Services, Illumina
Classification: Benign for Mendelian susceptibility to mycobacterial diseases due to complete IL12RB1 deficiency. Last evaluated: 2018-01-13. Review status: criteria provided, single submitter. Criteria: ICSL Variant Classification Criteria 13 December 2019. Collection method: clinical testing. Allele origin: germline.
Comment: This variant was observed in the ICSL laboratory as part of a predisposition screen in an ostensibly healthy population. It had not been previously curated by ICSL or reported in the Human Gene Mutation Database (HGMD: prior to June 1st, 2018), and was therefore a candidate for classification through an automated scoring system. Utilizing variant allele frequency, disease prevalence and penetrance estimates, and inheritance mode, an automated score was calculated to assess if this variant is too frequent to cause the disease. Based on the score and internal cut-off values, a variant classified as benign is not then subjected to further curation. The score for this variant resulted in a classification of benign for this disease.

Laboratory for Molecular Medicine, Mass General Brigham Personalized Medicine
Classification: Benign. Last evaluated: 2016-03-29. Review status: criteria provided, single submitter. Criteria: LMM Criteria. Collection method: clinical testing. Allele origin: germline.
Comment: Variant identified in a genome or exome case(s) and assessed due to predicted null impact of the variant or pathogenic assertions in the literature or databases. Disclaimer: This variant has not undergone full assessment. The following are preliminary notes: Frequency

Breakthrough Genomics
Classification: Benign. Review status: criteria provided, single submitter. Criteria: ACMG Guidelines, 2015. Collection method: not provided. Allele origin: germline. Inheritance: Autosomal recessive inheritance. Affected: yes.